The following is an entry in ClinVar:

NM_000098.3(CPT2):c.754T>C (p.Tyr252His)

Gene: CPT2 (carnitine palmitoyltransferase 2; plus strand). Cytogenetic location: 1p32.3.
Variant type: single nucleotide variant.
Coding change: c.754T>C on transcript NM_000098.3 (MANE Select); coding-DNA position 754, T replaced by C.
Protein change: p.Tyr252His; replaces tyrosine 252 with histidine.
Molecular consequence: missense variant.
Genome position (GRCh38, 1-based): chr1:53,210,428, T>C. VCF-style: chr1-53210428-T-C. GRCh37 (hg19) VCF-style: chr1-53676100-T-C.
Other names: c.754T>C, p.Tyr252His (NM_001330589.2); short protein forms Y252H.
Identifiers: ClinVar variation 1495814 (VCV001495814.8), dbSNP rs777614326, ClinGen allele CA859042.

ClinVar aggregate classification (germline): Uncertain significance (1 of 4 stars; one submission).

Conditions:
Carnitine palmitoyltransferase II deficiency. Also called: Carnitine Palmitoyltransferase 2 Deficiency. Identifiers: Orphanet 157, MedGen C0342790, MONDO:0015515.

Allele frequency attached by ClinVar (database versions not stated): gnomAD exomes below 0.00001; ExAC 0.00001.

Submission:

Labcorp Genetics (formerly Invitae), Labcorp
Classification: Uncertain significance for Carnitine palmitoyltransferase II deficiency. Last evaluated: 2022-02-02. Review status: criteria provided, single submitter. Criteria: Invitae Variant Classification Sherloc (09022015). Collection method: clinical testing. Allele origin: germline.
Comment: In summary, the available evidence is currently insufficient to determine the role of this variant in disease. Therefore, it has been classified as a Variant of Uncertain Significance. Advanced modeling of protein sequence and biophysical properties (such as structural, functional, and spatial information, amino acid conservation, physicochemical variation, residue mobility, and thermodynamic stability) performed at Invitae indicates that this missense variant is expected to disrupt CPT2 protein function. This variant has not been reported in the literature in individuals affected with CPT2-related conditions. This variant is present in population databases (rs777614326, gnomAD 0.003%). This sequence change replaces tyrosine, which is neutral and polar, with histidine, which is basic and polar, at codon 252 of the CPT2 protein (p.Tyr252His).